The following is an entry in ClinVar:

NM_014832.5(TBC1D4):c.129G>T (p.Gly43=)

Gene: TBC1D4 (TBC1 domain family member 4; minus strand). Cytogenetic location: 13q22.2.
Variant type: single nucleotide variant.
Coding change: c.129G>T on transcript NM_014832.5 (MANE Select); coding-DNA position 129, G replaced by T.
Protein change: p.Gly43=; no amino-acid change (glycine 43 retained).
Molecular consequence: synonymous variant.
Genome position (GRCh38, 1-based): chr13:75,481,639, C>A on the plus strand (G>T on the coding strand, the complement: TBC1D4 is on the minus strand). VCF-style: chr13-75481639-C-A. GRCh37 (hg19) VCF-style: chr13-76055775-C-A.
Other names: c.129G>T, p.Gly43= (NM_001286658.2, NM_001286659.2).
Identifiers: ClinVar variation 4984181 (VCV004984181.1).

ClinVar aggregate classification (germline): Likely benign (1 of 4 stars; one submission).

Conditions:
TBC1D4-related disorder. Also called: TBC1D4-related condition.

Submission:

PreventionGenetics, part of Exact Sciences
Classification: Likely benign for TBC1D4-related condition. Last evaluated: 2025-04-07. Review status: criteria provided, single submitter. Criteria: ACMG Guidelines, 2015. Collection method: clinical testing. Allele origin: germline.
Comment: This variant is classified as likely benign based on ACMG/AMP sequence variant interpretation guidelines (Richards et al. 2015 PMID: 25741868, with internal and published modifications).